The following is an entry in ClinVar:

ClinVar aggregate classification (germline): Pathogenic (1 of 4 stars; one submission).

Submission:

Labcorp Genetics (formerly Invitae), Labcorp
Classification: Pathogenic. Last evaluated: 2024-06-11. Review status: criteria provided, single submitter. Criteria: Invitae Variant Classification Sherloc (09022015). Collection method: clinical testing. Allele origin: germline.
Comment: This sequence change creates a premature translational stop signal (p.His296Leufs*2) in the C9 gene. It is expected to result in an absent or disrupted protein product. Loss-of-function variants in C9 are known to be pathogenic (PMID: 9144525, 9570574). This variant is present in population databases (rs769246903, gnomAD 0.004%). This variant has not been reported in the literature in individuals affected with C9-related conditions. For these reasons, this variant has been classified as Pathogenic.

Literature cited by the submitters: PubMed 9144525; PubMed 9570574.

NM_001737.5(C9):c.887del (p.His296fs)

Gene: C9 (complement C9; minus strand). Cytogenetic location: 5p13.1.
Variant type: Deletion.
Coding change: c.887del on transcript NM_001737.5 (MANE Select); coding-DNA position 887, one base deleted (A; older notation c.887delA).
Protein change: p.His296fs; shifts the reading frame from histidine 296.
Molecular consequence: frameshift variant.
Genome position (GRCh38, 1-based): chr5:39,311,361, T deleted on the plus strand (A on the coding strand, the reverse complement: C9 is on the minus strand). VCF-style (leftmost placement, unchanged base first): chr5-39311360-AT-A. GRCh37 (hg19) VCF-style: chr5-39311462-AT-A.
Other names: short protein forms H296fs.
Identifiers: ClinVar variation 3681705 (VCV003681705.2).